The following is an entry in ClinVar:

ClinVar aggregate classification (germline): Uncertain significance. Review status: criteria provided, multiple submitters, no conflicts (2 of 4 stars). 2 submissions from 2 submitters: Uncertain significance (2). Last evaluated 2024-05-23.

Conditions:
Inborn genetic diseases. Identifiers: MedGen C0950123, MeSH D030342.

Allele frequency attached by ClinVar (database versions not stated): ExAC 0.00001; TOPMed 0.00001.
gnomAD v4.1: 46 of 1,365,686 alleles (0.0034%); highest among the groups gnomAD compares: Non-Finnish European, 0.0043%; no homozygotes.

Submissions (2):

Labcorp Genetics (formerly Invitae), Labcorp
Classification: Uncertain significance. Last evaluated: 2024-05-23. Review status: criteria provided, single submitter. Criteria: Invitae Variant Classification Sherloc (09022015). Collection method: clinical testing. Allele origin: germline.
Comment: This sequence change replaces isoleucine, which is neutral and non-polar, with leucine, which is neutral and non-polar, at codon 300 of the LONP1 protein (p.Ile300Leu). This variant is present in population databases (rs748290015, gnomAD 0.003%). This variant has not been reported in the literature in individuals affected with LONP1-related conditions. ClinVar contains an entry for this variant (Variation ID: 2291600). Advanced modeling of protein sequence and biophysical properties (such as structural, functional, and spatial information, amino acid conservation, physicochemical variation, residue mobility, and thermodynamic stability) performed at Invitae indicates that this missense variant is not expected to disrupt LONP1 protein function with a negative predictive value of 80%. In summary, the available evidence is currently insufficient to determine the role of this variant in disease. Therefore, it has been classified as a Variant of Uncertain Significance.

Ambry Genetics
Classification: Uncertain significance for Inborn genetic diseases. Last evaluated: 2022-05-27. Review status: criteria provided, single submitter. Criteria: Ambry Variant Classification Scheme 2023. Collection method: clinical testing. Allele origin: germline.

NM_004793.4(LONP1):c.898A>C (p.Ile300Leu)

Gene: LONP1 (lon peptidase 1, mitochondrial; minus strand). Cytogenetic location: 19p13.3.
Variant type: single nucleotide variant.
Coding change: c.898A>C on transcript NM_004793.4 (MANE Select); coding-DNA position 898, A replaced by C.
Protein change: p.Ile300Leu; replaces isoleucine 300 with leucine.
Molecular consequence: missense variant. On other transcripts: non-coding transcript variant (1).
Genome position (GRCh38, 1-based): chr19:5,708,376, T>G on the plus strand (A>C on the coding strand, the complement: LONP1 is on the minus strand). VCF-style: chr19-5708376-T-G. GRCh37 (hg19) VCF-style: chr19-5708387-T-G.
Other names: c.706A>C, p.Ile236Leu (NM_001276479.2); c.310A>C, p.Ile104Leu (NM_001276480.1); short protein forms I236L, I300L, I104L.
Identifiers: ClinVar variation 2291600 (VCV002291600.4), dbSNP rs748290015, ClinGen allele CA9114917.